The following is an entry in ClinVar:

NM_001430.5(EPAS1):c.2443T>C (p.Ser815Pro)

Gene: EPAS1 (endothelial PAS domain protein 1; plus strand). Cytogenetic location: 2p21.
Variant type: single nucleotide variant.
Coding change: c.2443T>C on transcript NM_001430.5 (MANE Select); coding-DNA position 2443, T replaced by C.
Protein change: p.Ser815Pro; replaces serine 815 with proline.
Molecular consequence: missense variant.
Genome position (GRCh38, 1-based): chr2:46,382,580, T>C. VCF-style: chr2-46382580-T-C. GRCh37 (hg19) VCF-style: chr2-46609719-T-C.
Other names: short protein forms S815P.
Identifiers: ClinVar variation 1791365 (VCV001791365.2), dbSNP rs1345889947, ClinGen allele CA346706421.

ClinVar aggregate classification (germline): Uncertain significance (1 of 4 stars; one submission).

Conditions:
Inborn genetic diseases. Identifiers: MedGen C0950123, MeSH D030342.

Allele frequency attached by ClinVar (database versions not stated): TOPMed below 0.00001; gnomAD exomes 0.00001.
gnomAD v4.1: 5 of 1,614,114 alleles (0.00031%); highest among the groups gnomAD compares: South Asian, 0.0022%; 1 homozygote.

Submission:

Ambry Genetics
Classification: Uncertain significance for Inborn genetic diseases. Last evaluated: 2021-09-20. Review status: criteria provided, single submitter. Criteria: Ambry Variant Classification Scheme 2023. Collection method: clinical testing. Allele origin: germline.
Comment: The p.S815P variant (also known as c.2443T>C), located in coding exon 15 of the EPAS1 gene, results from a T to C substitution at nucleotide position 2443. The serine at codon 815 is replaced by proline, an amino acid with similar properties. This amino acid position is conserved. In addition, this alteration is predicted to be tolerated by in silico analysis. Since supporting evidence is limited at this time, the clinical significance of this alteration remains unclear.